The following is an entry in ClinVar:

ClinVar aggregate classification (germline): other (0 of 4 stars; one submission).

Conditions:
Familial colorectal cancer. Identifiers: MedGen CN280943, MONDO:0023113. Disease mechanism: loss of function.

Submission:

Systems Biology Platform Zhejiang California International NanoSystems Institute
Classification: other for Familial colorectal cancer. Review status: no assertion criteria provided. Collection method: not provided. Allele origin: unknown.
ClinVar note: Converted during submission from cancer to other.

NM_000038.6(APC):c.835-1026T>C

Gene: APC (APC regulator of WNT signaling pathway; plus strand). Cytogenetic location: 5q22.2.
Variant type: single nucleotide variant.
Coding change: c.835-1026T>C on transcript NM_000038.6 (MANE Select); 1026 bases into the intron before coding-DNA position 835, T replaced by C.
Molecular consequence: intron variant.
Genome position (GRCh38, 1-based): chr5:112,814,469, T>C. VCF-style: chr5-112814469-T-C. GRCh37 (hg19) VCF-style: chr5-112150166-T-C.
Other names: c.835-1026T>C (NM_001354895.2, NM_001127510.3, NM_001354896.2 and 1 more transcripts); c.865-1026T>C (NM_001354897.2, NM_001354902.2); c.781-1026T>C (NM_001127511.3); c.760-1026T>C (NM_001354898.2, NM_001354904.2); c.-15-1026T>C (NM_001354906.2); c.751-1026T>C (NM_001354899.2); c.658-1026T>C (NM_001354900.2, NM_001354901.2, NM_001354905.2).
Identifiers: ClinVar variation 82554 (VCV000082554.2), dbSNP rs76735805, ClinGen allele CA015049.
Genomic context (GRCh38, chr5:112,814,469, plus strand): 5'-ATTACGAGCATCATTACTTACCCATTTATCCAAGCTTGACACCTCCAAGTTGTCCTCGAC[T>C]CCCAGCCCCTCTTTACTCACATCCAGTCAAGTTACTCAAGCCAGTTAATTTGACCTTCAG-3'